The following is an entry in ClinVar:

NC_000003.11:g.(4461831_4490949)_(4508954_?)del

Gene: SUMF1 (sulfatase modifying factor 1; minus strand). Cytogenetic location: 3p26.1.
Variant type: Deletion.
Identifiers: ClinVar variation 4687185 (VCV004687185.1).

ClinVar aggregate classification (germline): Pathogenic (1 of 4 stars; one submission).

Conditions:
Multiple sulfatase deficiency (MSD). Also called: Mucosulfatidosis; Multiple Sulfatase Deficiency Disease; Sulfatidosis, Juvenile, Austin Type. Identifiers: Orphanet 585, MedGen C0268263, MONDO:0010088, OMIM 272200.

Submission:

Women's Health and Genetics/Laboratory Corporation of America, LabCorp
Classification: Pathogenic for Multiple sulfatase deficiency. Last evaluated: 2025-10-20. Review status: criteria provided, single submitter. Criteria: LabCorp Variant Classification Summary - May 2015. Collection method: clinical testing. Allele origin: germline.
Comment: Variant summary: The variant involves the deletion of exons 1-3 in the SUMF1 gene. The exact breakpoint at the 5' end of this variant is unknown, therefore this deletion may extend upstream of the annotated region of this gene. Although the exact breakpoints of this deletion are not known, it is predicted to remove the initiation codon and result in an absence of protein or a truncation of the encoded protein due to translation initiation at a downstream site. Loss-of-function variants in this gene are known to be pathogenic. A presumed nomenclature of c.(?_-25)_(519+1_520-1)del has been designated for the purposes of this classification. The variant was absent in 21694 control chromosomes. To our knowledge, no occurrence of c.(?_-25)_(519+1_520-1)del in individuals affected with SUMF1-related conditions and no experimental evidence demonstrating its impact on protein function have been reported. ClinVar contains an entry for this variant (Variation ID: 666213). Based on the evidence outlined above, the variant was classified as pathogenic.